The following is an entry in ClinVar:

ClinVar aggregate classification (germline): Conflicting classifications of pathogenicity. Review status: criteria provided, conflicting classifications (1 of 4 stars). 3 submissions from 3 submitters: Uncertain significance (1); Likely benign (2). Last evaluated 2022-01-01.

Conditions:
Glycogen storage disease type III (GSD3). Also called: Cori disease; FORBES DISEASE. Identifiers: Orphanet 366, MedGen C0017922, MONDO:0009291, OMIM 232400.

Allele frequency attached by ClinVar (database versions not stated): ExAC 0.00001; gnomAD 0.00001; gnomAD exomes 0.00001; TOPMed 0.00002.
gnomAD v4.1: 13 of 1,613,322 alleles (0.00081%); highest among the groups gnomAD compares: South Asian, 0.0022%; no homozygotes.

Submissions (3):

Labcorp Genetics (formerly Invitae), Labcorp
Classification: Uncertain significance for Glycogen storage disease type III. Last evaluated: 2022-01-01. Review status: criteria provided, single submitter. Criteria: Invitae Variant Classification Sherloc (09022015). Collection method: clinical testing. Allele origin: germline.
Comment: This sequence change falls in intron 8 of the AGL gene. It does not directly change the encoded amino acid sequence of the AGL protein. It affects a nucleotide within the consensus splice site. This variant is present in population databases (rs781204563, gnomAD 0.007%). This variant has not been reported in the literature in individuals affected with AGL-related conditions. ClinVar contains an entry for this variant (Variation ID: 509467). Variants that disrupt the consensus splice site are a relatively common cause of aberrant splicing (PMID: 17576681, 9536098). Algorithms developed to predict the effect of sequence changes on RNA splicing suggest that this variant may create or strengthen a splice site. In summary, the available evidence is currently insufficient to determine the role of this variant in disease. Therefore, it has been classified as a Variant of Uncertain Significance.

Genome-Nilou Lab
Classification: Likely benign for Glycogen storage disease type III. Last evaluated: 2021-07-15. Review status: criteria provided, single submitter. Criteria: ACMG Guidelines, 2015. Collection method: clinical testing. Allele origin: germline. Affected: no.

GeneDx
Classification: Likely benign. Last evaluated: 2017-05-17. Review status: criteria provided, single submitter. Criteria: GeneDx Variant Classification (06012015). Collection method: clinical testing. Allele origin: germline. Affected: yes.
Comment: This variant is considered likely benign or benign based on one or more of the following criteria: it is a conservative change, it occurs at a poorly conserved position in the protein, it is predicted to be benign by multiple in silico algorithms, and/or has population frequency not consistent with disease.

Literature cited by the submitters: PubMed 17576681 (cited by Labcorp Genetics (formerly Invitae), Labcorp); PubMed 9536098 (cited by Labcorp Genetics (formerly Invitae), Labcorp).

NM_000642.3(AGL):c.1082+4T>A

Gene: AGL (amylo-alpha-1,6-glucosidase and 4-alpha-glucanotransferase; plus strand). Cytogenetic location: 1p21.2.
Variant type: single nucleotide variant.
Coding change: c.1082+4T>A on transcript NM_000642.3 (MANE Select); 4 bases into the intron after coding-DNA position 1082, T replaced by A.
Molecular consequence: intron variant.
Genome position (GRCh38, 1-based): chr1:99,874,814, T>A. VCF-style: chr1-99874814-T-A. GRCh37 (hg19) VCF-style: chr1-100340370-T-A.
Other names: c.1082+4T>A (NM_000643.3, NM_000644.3, NM_001425326.1 and 3 more transcripts); c.1034+4T>A (NM_000646.3); c.878+4T>A (NM_001425328.1, NM_001425329.1); c.704+4T>A (NM_001425332.1).
Identifiers: ClinVar variation 509467 (VCV000509467.11), dbSNP rs781204563, ClinGen allele CA966368.
Genomic context (GRCh38, chr1:99,874,814, plus strand): 5'-ACGGTTTGGCTGTACTGTAGATATGAACATTGCACTAACGACTTTCATACCACATGAGTA[T>A]GTAATGTGTTTTTTTCTGTGAAATAATAATATTACTTACAAACCTTTATGGCTAGTATGA-3'